The following continues an entry in ClinVar:

NM_004004.6(GJB2):c.109G>A (p.Val37Ile)

Gene: GJB2. ClinVar aggregate classification (germline): Pathogenic. Pathogenic (1).

Submissions 13 to 22 of 65:

Institute of Medical Genetics and Applied Genomics, University Hospital Tübingen
Classification: Pathogenic for Autosomal recessive nonsyndromic hearing loss 1A. Last evaluated: 2025-06-26. Review status: criteria provided, single submitter. Criteria: ACMG Guidelines, 2015. Collection method: clinical testing. Allele origin: germline. Inheritance: Autosomal recessive inheritance. Affected: yes. Not counted in ClinVar's aggregate classification.

Mayo Clinic Laboratories, Mayo Clinic
Classification: Pathogenic. Last evaluated: 2025-06-13. Review status: criteria provided, single submitter. Criteria: ACMG Guidelines, 2015. Collection method: clinical testing. Allele origin: germline. Observed: 4 variant alleles. Not counted in ClinVar's aggregate classification.
Comment: PP1_strong, PM3, PS4

First Genomix Gene Laboratory, Genetic Diagnostics Department
Classification: Pathogenic for Autosomal recessive nonsyndromic hearing loss 1A. Last evaluated: 2025-03-14. Review status: criteria provided, single submitter. Criteria: ACMG Guidelines, 2015. Collection method: clinical testing. Allele origin: germline. Inheritance: Autosomal recessive inheritance. Affected: no. Observed: 2 variant alleles. Not counted in ClinVar's aggregate classification.

Variantyx, Inc.
Classification: Pathogenic for Autosomal recessive nonsyndromic hearing loss 1A. Last evaluated: 2025-03-14. Review status: criteria provided, single submitter. Criteria: Variantyx Assertion Criteria 2022. Collection method: clinical testing. Allele origin: germline. Inheritance: Autosomal recessive inheritance. Affected: yes. Not counted in ClinVar's aggregate classification.
Comment: This is a nonsynonymous variant in the GJB2 gene (OMIM: 121011). Pathogenic variants in this gene have been associated with autosomal recessive hearing loss 1A. This variant has been reported in the homozygous or compound heterozygous state in many unrelated affected individuals (PMID: 31160754) (PM3_Very_Strong) and it segregated with disease in at least 21 individuals from multiple families (PMID: 31160754, 28489599, 24945352, 26088551) (PP1_Strong). This variant is associated with variable expressivity and incomplete penetrance. The penetrance of this variant is estimated to be lower than other pathogenic alleles in the GJB2 gene, with an estimation of less than 20%. Hearing loss, when observed, is usually mild to moderate in severity, bilateral and progresses slowly (PMID: 31160754, 17935238, 24654934). Multiple computational algorithms predict a deleterious effect for this variant (REVEL score: 0.656) (PP3). Other reputable laboratories have reported this variant as pathogenic or likely pathogenic, and this classification has been validated by an expert panel in ClinVar (PP5). This variant has a 4.4881% maximum allele frequency in non-founder control populations. Based on the current evidence, this variant is classified as pathogenic for autosomal recessive hearing loss 1A.

ARUP Laboratories, Molecular Genetics and Genomics, ARUP Laboratories
Classification: Pathogenic. Last evaluated: 2025-01-21. Review status: criteria provided, single submitter. Criteria: ARUP Molecular Germline Variant Investigation Process 2024. Collection method: clinical testing. Allele origin: germline. Not counted in ClinVar's aggregate classification.
Comment: The GJB2 c.109G>A; p.Val37Ile variant (rs72474224) is reported in the literature in multiple individuals affected with hearing loss (Baux 2017, Kecskemeti 2018, Posukh 2019, Putcha 2007, Zhou 2019). However, homozygosity for p.Val37Ile has been associated with normal hearing (Tang 2006) as well as with slight, mild or moderate hearing loss, primarily in individuals of Asian background (Bason 2002, Dahl 2006, Kim 2015, Kim 2013, Pollak 2007, Rabionet 2000). The p.Val37Ile variant is reported as pathogenic by several laboratories in ClinVar (Variation ID: 17023) and has been shown to disrupt protein function using a Xenopus oocyte-based gap junction formation assay (Bruzzone 2003) and a gap junction permeability assay in HEK293 cells (Kim 2015). This variant is found predominantly in the East Asian population with an allele frequency of 8.3% (1665/19952 alleles, including 96 homozygotes) in the Genome Aggregation Database (v2.1.1). Additionally, other variants at this codon (c.110T>C; p.Val37Ala and c.109G>C; p.Val37Leu) have been reported in individuals with sensorineural hearing loss (Azaiez 2004, Putcha 2007). Based on available information, this variant is considered to be mildly pathogenic. References: Azaiez H et al. GJB2: the spectrum of deafness-causing allele variants and their phenotype. Hum Mutat. 2004 24:305-311. PMID: 15365987. Bason L et al. Homozygosity for the V37I Connexin 26 mutation in three unrelated children with sensorineural hearing loss. Clin Genet. 2002 61:459-464. PMID: 12121355. Baux D et al. Combined genetic approaches yield a 48% diagnostic rate in a large cohort of French hearing-impaired patients. Sci Rep. 2017 7:16783. PMID: 29196752. Bruzzone R et al. Loss-of-function and residual channel activity of connexin26 mutations associated with non-syndromic deafness. FEBS Lett. 2003 533:79-88. PMID: 12505163. Dahl HH et al. The contribution of GJB2 mutations to slight or mild hearing loss in Australian elementary school children. J Med Genet. 2006 43:850-855. PMID: 16840571. Kecskemeti N et al. Analysis of GJB2 mutations and the clinical manifestation in a large Hungarian cohort. Eur Arch Otorhinolaryngol. 2018 275:2441-2448. PMID: 30094485. Kim J et al. Non-syndromic hearing loss caused by the dominant cis mutation R75Q with the recessive mutation V37I of the GJB2 (Connexin 26) gene. Exp Mol Med. 2015 47:e169. PMID: 26088551. Kim SY et al. Prevalence of p.V37I variant of GJB2 in mild or moderate hearing loss in a pediatric population and the interpretation of its pathogenicity. PLoS One. 2013 8:e61592. PMID: 23637863. Pollak A et al. M34T and V37I mutations in GJB2 associated hearing impairment: evidence for pathogenicity and reduced penetrance. Am J Med Genet A. 2007 143A:2534-2543. PMID: 17935238. Posukh OL et al. Unique Mutational Spectrum of the GJB2 Gene and its Pathogenic Contribution to Deafness in Tuvinians (Southern Siberia, Russia): A High Prevalence of Rare Variant c.516G>C (p.Trp172Cys). Genes (Basel). 2019 Jun 5;10(6):429. PMID: 31195736. Putcha GV et al. A multicenter study of the frequency and distribution of GJB2 and GJB6 mutations in a large North American cohort. Genet Med. 2007 9:413-426. PMID: 17666888. Rabionet R et al. Molecular basis of childhood deafness resulting from mutations in the GJB2 (connexin 26) gene. Hum Genet. 2000 106:40-44. PMID: 10982180. Tang HY et al. DNA sequence analysis of GJB2, encoding connexin 26: observations from a population of hearing impaired cases and variable carrier rates, complex genotypes, and ethnic stratification of alleles among controls. Am J Med Genet A. 2006 140:2401-2415. PMID: 17041943. Zhou Y et al. Mutation analysis of common deafness genes among 1,201 patients with non-syndromic hearing loss in Shanxi Province. Mol Genet Genomic Med. 2019 7:e537. PMID: 30693673.

Division of Genetic & Genomic Pathology, Hong Kong Children's Hospital
Classification: Pathogenic for Nonsyndromic genetic hearing loss. Last evaluated: 2024-12-05. Review status: criteria provided, single submitter. Criteria: ACMG Guidelines, 2015. Collection method: clinical testing. Allele origin: germline. Affected: yes. Not counted in ClinVar's aggregate classification.
Comment: A homozygous pathogenic variant was detected in the GJB2 gene. The GJB2 c.109G>A p.(Val37Ile) is a missense variant classified as pathogenic for autosomal recessive nonsyndromic genetic hearing loss by the ClinGen Hearing Loss Variant Curation Expert Panel (ClinVar accession: VCV000017023.129). Individuals who are homozygous for GJB2 c.109G>A p.(Val37Ile) typically manifest mild to moderate hearing loss affecting high to mid-sound frequencies (PMID: 31160754).

Natera, Inc.
Classification: Pathogenic for Autosomal recessive deafness type 1A. Last evaluated: 2024-11-05. Review status: criteria provided, single submitter. Criteria: Natera Variant Classification Schema (03/2026). Collection method: clinical testing. Allele origin: germline. Not counted in ClinVar's aggregate classification.
Comment: The c.109G>A variant in GJB2 is a missense variant predicted to cause substitution of valine to isoleucine at amino acid 37. This variant has been observed in one or more individuals affected with the associated recessive disease, as either homozygous or compound heterozygous with a second variant (PMID: 28489599, 34032567, 16380907, 12081719). Computational prediction algorithms indicate this variant is likely to affect gene or protein function. Given the available evidence, this variant is classified as Pathogenic.

Athena Diagnostics
Classification: Pathogenic. Last evaluated: 2024-10-21. Review status: criteria provided, single submitter. Criteria: Athena Diagnostics Criteria. Collection method: clinical testing. Allele origin: unknown. Not counted in ClinVar's aggregate classification.
Comment: This variant is one of the most common variants associated with nonsyndromic hearing loss and is reported to have reduced penetrance in some families (PMID: 31160754, 30311386, 28489599). Therefore, the apparently high frequency of this variant in the general population is consistent with pathogenicity (Genome Aggregation Database (gnomAD), Cambridge, MA (URL)). This variant has been reported in individuals with autosomal recessive nonsyndromic hearing loss and deafness. Heterozygous individuals with hearing loss have also been reported. Assessment of experimental evidence suggests this variant results in abnormal protein function. (PMID: 12505163, 16300957)

Greenwood Genetic Center Diagnostic Laboratories, Greenwood Genetic Center
Classification: Pathogenic for GJB2-related disorder. Last evaluated: 2024-10-03. Review status: criteria provided, single submitter. Criteria: ACMG Guidelines, 2015. Collection method: clinical testing. Allele origin: germline. Affected: yes. Not counted in ClinVar's aggregate classification.
Comment: PS4, PM3, PP1_Strong

Department of Human Genetics, Hannover Medical School
Classification: Pathogenic for Autosomal recessive nonsyndromic hearing loss 1A. Last evaluated: 2024-04-30. Review status: criteria provided, single submitter. Criteria: ACMG Guidelines, 2015. Collection method: clinical testing. Allele origin: germline. Affected: yes. Not counted in ClinVar's aggregate classification.